The following is an entry in ClinVar:

NM_014855.3(AP5Z1):c.1312-10G>A

Gene: AP5Z1 (adaptor related protein complex 5 subunit zeta 1; plus strand). Cytogenetic location: 7p22.1.
Variant type: single nucleotide variant.
Coding change: c.1312-10G>A on transcript NM_014855.3 (MANE Select); 10 bases into the intron before coding-DNA position 1312, G replaced by A.
Molecular consequence: intron variant. On other transcripts: non-coding transcript variant (1).
Genome position (GRCh38, 1-based): chr7:4,787,624, G>A. VCF-style: chr7-4787624-G-A. GRCh37 (hg19) VCF-style: chr7-4827255-G-A.
Other names: c.844-10G>A (NM_001364858.1).
Identifiers: ClinVar variation 696131 (VCV000696131.11), dbSNP rs770895241, ClinGen allele CA4137759.

ClinVar aggregate classification (germline): Likely benign. Review status: criteria provided, multiple submitters, no conflicts (2 of 4 stars). 2 submissions from 2 submitters: Likely benign (2). Last evaluated 2026-09-01.

Conditions:
Hereditary spastic paraplegia 48. Also called: Spastic paraplegia 48; SPASTIC PARAPLEGIA 48, AUTOSOMAL RECESSIVE. Identifiers: Orphanet 306511, MedGen C3150901, MONDO:0013342, OMIM 613647.

Allele frequency attached by ClinVar (database versions not stated): gnomAD 0.00006; ExAC 0.00021; TOPMed 0.00029; gnomAD exomes 0.00056; 1000 Genomes Project 30x 0.00062.
gnomAD v4.1: 142 of 1,549,800 alleles (0.0092%); highest among the groups gnomAD compares: Admixed American, 0.23%; 1 homozygote.

Submissions (2):

CeGaT Center for Human Genetics Tuebingen
Classification: Likely benign. Last evaluated: 2026-09-01. Review status: criteria provided, single submitter. Criteria: CeGaT Center For Human Genetics Tuebingen Variant Classification Criteria Version 2. Collection method: clinical testing. Allele origin: germline. Affected: yes. Observed: 1 variant allele.
Comment: AP5Z1: BP4, BP7

Labcorp Genetics (formerly Invitae), Labcorp
Classification: Likely benign for Hereditary spastic paraplegia 48. Last evaluated: 2026-02-02. Review status: criteria provided, single submitter. Criteria: Invitae Variant Classification Sherloc (09022015). Collection method: clinical testing. Allele origin: germline.